The following is an entry in ClinVar:

ClinVar aggregate classification (germline): Uncertain significance (1 of 4 stars; one submission).

Submission:

Laboratorio de Genetica e Diagnostico Molecular, Hospital Israelita Albert Einstein
Classification: Uncertain significance. Last evaluated: 2019-10-25. Review status: criteria provided, single submitter. Criteria: ACMG Guidelines, 2015. Collection method: clinical testing. Allele origin: germline. Affected: yes.
Comment: ACMG classification criteria: PM2, BP4

NM_013275.6(ANKRD11):c.5487G>A (p.Met1829Ile)

Gene: ANKRD11 (ankyrin repeat domain containing 11; minus strand). Cytogenetic location: 16q24.3.
Variant type: single nucleotide variant.
Coding change: c.5487G>A on transcript NM_013275.6 (MANE Select); coding-DNA position 5487, G replaced by A.
Protein change: p.Met1829Ile; replaces methionine 1829 with isoleucine.
Molecular consequence: missense variant.
Genome position (GRCh38, 1-based): chr16:89,281,055, C>T on the plus strand (G>A on the coding strand, the complement: ANKRD11 is on the minus strand). VCF-style: chr16-89281055-C-T. GRCh37 (hg19) VCF-style: chr16-89347463-C-T.
Other names: c.5487G>A, p.Met1829Ile (NM_001256182.2, NM_001256183.2); short protein forms M1829I.
Identifiers: ClinVar variation 1690720 (VCV001690720.2), dbSNP rs2151743988, ClinGen allele CA397154011.